The following is an entry in ClinVar:

NM_006270.5(RRAS):c.90_91del (p.His30fs)

Gene: RRAS (RAS related; minus strand). Cytogenetic location: 19q13.33.
Variant type: Microsatellite.
Coding change: c.90_91del on transcript NM_006270.5 (MANE Select); coding-DNA positions 90 to 91, 2 bases deleted (CA; older notation c.90_91delCA).
Protein change: p.His30fs; shifts the reading frame from histidine 30.
Molecular consequence: frameshift variant.
Genome position (GRCh38, 1-based): chr19:49,640,008-49,640,009, TG deleted on the plus strand (CA on the coding strand, the reverse complement: RRAS is on the minus strand); deleting any 2 consecutive bases within chr19:49,640,008-49,640,014 gives the same sequence; the c. name uses the placement nearest the transcript's 3' end. VCF-style (leftmost placement, unchanged base first): chr19-49640007-TTG-T. GRCh37 (hg19) VCF-style: chr19-50143264-TTG-T.
Other names: short protein forms H30fs.
Identifiers: ClinVar variation 3648020 (VCV003648020.2).

ClinVar aggregate classification (germline): Uncertain significance (1 of 4 stars; one submission).

Conditions:
Noonan syndrome (NS). Also called: Noonan's syndrome. Identifiers: Orphanet 648, MedGen C0028326, MeSH D009634, MONDO:0018997. Disease mechanism: gain of function.

Submission:

Labcorp Genetics (formerly Invitae), Labcorp
Classification: Uncertain significance for Noonan syndrome. Last evaluated: 2024-03-28. Review status: criteria provided, single submitter. Criteria: Invitae Variant Classification Sherloc (09022015). Collection method: clinical testing. Allele origin: germline.
Comment: This sequence change creates a premature translational stop signal (p.His30Glnfs*27) in the RRAS gene. It is expected to result in an absent or disrupted protein product. However, the current clinical and genetic evidence is not sufficient to establish whether loss-of-function variants in RRAS cause disease. This variant is not present in population databases (gnomAD no frequency). This variant has not been reported in the literature in individuals affected with RRAS-related conditions. In summary, the available evidence is currently insufficient to determine the role of this variant in disease. Therefore, it has been classified as a Variant of Uncertain Significance.